The following is an entry in ClinVar:

ClinVar aggregate classification (germline): Uncertain significance (1 of 4 stars; one submission).

Conditions:
Combined immunodeficiency due to LRBA deficiency. Also called: Common variable immunodeficiency 8, with autoimmunity. Identifiers: Orphanet 445018, MedGen C3553512, MONDO:0013863, OMIM 614700.

Allele frequency attached by ClinVar (database versions not stated): gnomAD 0.00001; TOPMed 0.00001; gnomAD exomes 0.00002.
gnomAD v4.1: 7 of 1,609,612 alleles (0.00043%); highest among the groups gnomAD compares: Admixed American, 0.01%; no homozygotes.

Submission:

Labcorp Genetics (formerly Invitae), Labcorp
Classification: Uncertain significance for Combined immunodeficiency due to LRBA deficiency. Last evaluated: 2022-07-16. Review status: criteria provided, single submitter. Criteria: Invitae Variant Classification Sherloc (09022015). Collection method: clinical testing. Allele origin: germline.
Comment: In summary, the available evidence is currently insufficient to determine the role of this variant in disease. Therefore, it has been classified as a Variant of Uncertain Significance. Algorithms developed to predict the effect of missense changes on protein structure and function are either unavailable or do not agree on the potential impact of this missense change (SIFT: "Tolerated"; PolyPhen-2: "Possibly Damaging"; Align-GVGD: "Class C0"). ClinVar contains an entry for this variant (Variation ID: 1503612). This variant has not been reported in the literature in individuals affected with LRBA-related conditions. This variant is present in population databases (no rsID available, gnomAD 0.01%). This sequence change replaces isoleucine, which is neutral and non-polar, with leucine, which is neutral and non-polar, at codon 2678 of the LRBA protein (p.Ile2678Leu).

NM_001364905.1(LRBA):c.7999A>C (p.Ile2667Leu)

Gene: LRBA (LPS responsive beige-like anchor protein; minus strand). Cytogenetic location: 4q31.3.
Variant type: single nucleotide variant.
Coding change: c.7999A>C on transcript NM_001364905.1 (MANE Select); coding-DNA position 7999, A replaced by C.
Protein change: p.Ile2667Leu; replaces isoleucine 2667 with leucine.
Molecular consequence: missense variant.
Genome position (GRCh38, 1-based): chr4:150,302,643, T>G on the plus strand (A>C on the coding strand, the complement: LRBA is on the minus strand). VCF-style: chr4-150302643-T-G. GRCh37 (hg19) VCF-style: chr4-151223795-T-G.
Other names: c.8014A>C, p.Ile2672Leu (NM_001367550.1); c.8032A>C, p.Ile2678Leu (NM_006726.5); c.7999A>C, p.Ile2667Leu (NM_001199282.3); short protein forms I2667L, I2672L, I2678L.
Identifiers: ClinVar variation 1503612 (VCV001503612.6), dbSNP rs1203527096, ClinGen allele CA358598870.